The following is an entry in ClinVar:

ClinVar aggregate classification (germline): Uncertain significance. Review status: criteria provided, multiple submitters, no conflicts (2 of 4 stars). 2 submissions from 2 submitters: Uncertain significance (2). Last evaluated 2025-08-14.

Conditions:
Inborn genetic diseases. Identifiers: MedGen C0950123, MeSH D030342.

Allele frequency attached by ClinVar (database versions not stated): gnomAD 0.00001; TOPMed 0.00001; gnomAD exomes 0.00002 and 0.00004; ExAC 0.00009.
gnomAD v4.1: 22 of 1,540,482 alleles (0.0014%); highest among the groups gnomAD compares: South Asian, 0.017%; 1 homozygote.

Submissions (2):

Ambry Genetics
Classification: Uncertain significance for Inborn genetic diseases. Last evaluated: 2025-08-14. Review status: criteria provided, single submitter. Criteria: Ambry Variant Classification Scheme 2023. Collection method: clinical testing. Allele origin: germline.

Labcorp Genetics (formerly Invitae), Labcorp
Classification: Uncertain significance. Last evaluated: 2021-09-24. Review status: criteria provided, single submitter. Criteria: Invitae Variant Classification Sherloc (09022015). Collection method: clinical testing. Allele origin: germline.
Comment: This sequence change replaces glycine with glutamic acid at codon 2000 of the LOXHD1 protein (p.Gly2000Glu). The glycine residue is moderately conserved and there is a moderate physicochemical difference between glycine and glutamic acid. This variant is present in population databases (rs780122717, ExAC 0.03%). This variant has not been reported in the literature in individuals with LOXHD1-related conditions. Algorithms developed to predict the effect of missense changes on protein structure and function are either unavailable or do not agree on the potential impact of this missense change (SIFT: "Deleterious"; PolyPhen-2: "Benign"; Align-GVGD: "Class C0"). In summary, the available evidence is currently insufficient to determine the role of this variant in disease. Therefore, it has been classified as a Variant of Uncertain Significance.

NM_001384474.1(LOXHD1):c.6185G>A (p.Gly2062Glu)

Gene: LOXHD1 (lipoxygenase homology PLAT domains 1; minus strand). Cytogenetic location: 18q21.1.
Variant type: single nucleotide variant.
Coding change: c.6185G>A on transcript NM_001384474.1 (MANE Select); coding-DNA position 6185, G replaced by A.
Protein change: p.Gly2062Glu; replaces glycine 2062 with glutamic acid.
Molecular consequence: missense variant.
Genome position (GRCh38, 1-based): chr18:46,483,743, C>T on the plus strand (G>A on the coding strand, the complement: LOXHD1 is on the minus strand). VCF-style: chr18-46483743-C-T. GRCh37 (hg19) VCF-style: chr18-44063706-C-T.
Other names: c.5999G>A (NM_144612.6); c.2852G>A, p.Gly951Glu (NM_001145472.3); c.902G>A, p.Gly301Glu (NM_001145473.3, NM_001173129.2); c.2564G>A, p.Gly855Glu (NM_001308013.2); c.5999G>A, p.Gly2000Glu (NM_144612.7); short protein forms G2000E, G951E, G2062E, G301E, G855E.
Identifiers: ClinVar variation 1430459 (VCV001430459.6), dbSNP rs780122717, ClinGen allele CA8952069.